The following is an entry in ClinVar:

NM_001128148.3(TFRC):c.424G>A (p.Gly142Ser)

Gene: TFRC (transferrin receptor; minus strand). Cytogenetic location: 3q29.
Variant type: single nucleotide variant.
Coding change: c.424G>A on transcript NM_001128148.3 (MANE Select); coding-DNA position 424, G replaced by A.
Protein change: p.Gly142Ser; replaces glycine 142 with serine.
Molecular consequence: missense variant. On other transcripts: intron variant (1).
Genome position (GRCh38, 1-based): chr3:196,073,940, C>T on the plus strand (G>A on the coding strand, the complement: TFRC is on the minus strand). VCF-style: chr3-196073940-C-T. GRCh37 (hg19) VCF-style: chr3-195800811-C-T.
Other names: p.Gly142Ser; c.181G>A, p.Gly61Ser (NM_001313965.2); c.424G>A, p.Gly142Ser (NM_003234.4); c.-412-1788G>A (NM_001313966.2); short protein forms G142S, G61S.
Identifiers: ClinVar variation 1164902 (VCV001164902.16), dbSNP rs3817672, ClinGen allele CA2778315.
Genomic context (GRCh38, chr3:196,073,940, plus strand): 5'-ATAATTCTTGAATTACTTGTCTAGATACTTGCACAGCAGCTGGCACTCACTTGATGGTGC[C>T]GGTGAAGTCTGTGCTGTCCAGTTTCTCCGACAACTTTCTCTTCAGGTCATCCCAATATAA-3'
Protein context (NP_001121620.1, residues 132-152): SEKLDSTDFT[Gly142Ser]TIKLLNENSY

ClinVar aggregate classification (germline): Benign/Likely benign. Review status: criteria provided, multiple submitters, no conflicts (2 of 4 stars). 7 submissions from 7 submitters: Benign (5); Likely benign (2). Last evaluated 2026-02-04.

Conditions:
TFRC-related combined immunodeficiency. Also called: Immunodeficiency 46. Identifiers: Orphanet 476113, MedGen C5568133, MONDO:0014760, OMIM 616740.

Allele frequency attached by ClinVar (database versions not stated): 1000 Genomes Project 30x 0.30590; 1000 Genomes Project 0.30631; TOPMed 0.40527; gnomAD 0.42461 and 0.42627; ESP Exome Variant Server 0.43795; ExAC 0.44702; gnomAD exomes 0.44942 and 0.52262.
gnomAD v4.1: 826,116 of 1,611,674 alleles (51%); highest among the groups gnomAD compares: Middle Eastern, 60%; 220,542 homozygotes.

Submissions (7):

Labcorp Genetics (formerly Invitae), Labcorp
Classification: Benign. Last evaluated: 2026-02-04. Review status: criteria provided, single submitter. Criteria: Invitae Variant Classification Sherloc (09022015). Collection method: clinical testing. Allele origin: germline.

Women's Health and Genetics/Laboratory Corporation of America, LabCorp
Classification: Likely benign. Last evaluated: 2026-01-21. Review status: criteria provided, single submitter. Criteria: LabCorp Variant Classification Summary - May 2015. Collection method: clinical testing. Allele origin: germline.

Mayo Clinic Laboratories, Mayo Clinic
Classification: Benign. Last evaluated: 2025-08-12. Review status: criteria provided, single submitter. Criteria: ACMG Guidelines, 2015. Collection method: clinical testing. Allele origin: germline. Observed: 5 variant alleles.
Comment: BA1

Blueprint Genetics
Classification: Likely benign. Last evaluated: 2024-11-26. Review status: criteria provided, single submitter. Criteria: ACMG Guidelines, 2015. Collection method: clinical testing. Allele origin: germline.

Unidad de Genómica Garrahan, Hospital de Pediatría Garrahan
Classification: Benign. Last evaluated: 2023-11-12. Review status: criteria provided, single submitter. Criteria: ACMG Guidelines, 2015. Collection method: clinical testing. Allele origin: germline. Affected: no. Observed: 57 variant alleles.
Comment: This variant is classified as Benign based on local population frequency. This variant was detected in 59% of patients studied by a panel of primary immunodeficiencies. Number of patients: 57. Only high quality variants are reported.

Genome-Nilou Lab
Classification: Benign for TFRC-related combined immunodeficiency. Last evaluated: 2021-09-10. Review status: criteria provided, single submitter. Criteria: ACMG Guidelines, 2015. Collection method: clinical testing. Allele origin: germline. Affected: no.

Breakthrough Genomics
Classification: Benign. Review status: criteria provided, single submitter. Criteria: ACMG Guidelines, 2015. Collection method: not provided. Allele origin: germline. Inheritance: Autosomal recessive inheritance. Affected: yes.